The following is an entry in ClinVar:

ClinVar aggregate classification (germline): Uncertain significance. Review status: criteria provided, multiple submitters, no conflicts (2 of 4 stars). 2 submissions from 2 submitters: Uncertain significance (2). Last evaluated 2026-02-23.

Conditions:
Inborn genetic diseases. Identifiers: MedGen C0950123, MeSH D030342.

gnomAD v4.1: 2 of 1,614,148 alleles (0.00012%); highest among the groups gnomAD compares: Non-Finnish European, 0.000085%; no homozygotes.

Submissions (2):

Ambry Genetics
Classification: Uncertain significance for Inborn genetic diseases. Last evaluated: 2026-02-23. Review status: criteria provided, single submitter. Criteria: Ambry Variant Classification Scheme 2023. Collection method: clinical testing. Allele origin: germline.

Labcorp Genetics (formerly Invitae), Labcorp
Classification: Uncertain significance. Last evaluated: 2021-12-03. Review status: criteria provided, single submitter. Criteria: Invitae Variant Classification Sherloc (09022015). Collection method: clinical testing. Allele origin: germline.
Comment: In summary, the available evidence is currently insufficient to determine the role of this variant in disease. Therefore, it has been classified as a Variant of Uncertain Significance. Algorithms developed to predict the effect of missense changes on protein structure and function are either unavailable or do not agree on the potential impact of this missense change (SIFT: "Tolerated"; PolyPhen-2: "Not Available"; Align-GVGD: "Class C0"). This variant has not been reported in the literature in individuals affected with MYO6-related conditions. This variant is not present in population databases (gnomAD no frequency). This sequence change replaces methionine, which is neutral and non-polar, with valine, which is neutral and non-polar, at codon 717 of the MYO6 protein (p.Met717Val).

NM_004999.4(MYO6):c.2149A>G (p.Met717Val)

Gene: MYO6 (myosin VI; plus strand). Cytogenetic location: 6q14.1.
Variant type: single nucleotide variant.
Coding change: c.2149A>G on transcript NM_004999.4 (MANE Select); coding-DNA position 2149, A replaced by G.
Protein change: p.Met717Val; replaces methionine 717 with valine.
Molecular consequence: missense variant. On other transcripts: non-coding transcript variant (1).
Genome position (GRCh38, 1-based): chr6:75,879,891, A>G. VCF-style: chr6-75879891-A-G. GRCh37 (hg19) VCF-style: chr6-76589608-A-G.
Other names: c.2149A>G, p.Met717Val (NM_001300899.2, NM_001368136.1, NM_001368137.1 and 2 more transcripts); c.2134A>G, p.Met712Val (NM_001368138.1); c.2149A>G (NM_004999.3); short protein forms M712V, M717V.
Identifiers: ClinVar variation 1384805 (VCV001384805.7), dbSNP rs2149343586, ClinGen allele CA364772026.